The following is an entry in ClinVar:

NM_001004334.4(GPR179):c.3453G>T (p.Glu1151Asp)

Gene: GPR179 (G protein-coupled receptor 179; minus strand). Cytogenetic location: 17q12.
Variant type: single nucleotide variant.
Coding change: c.3453G>T on transcript NM_001004334.4 (MANE Select); coding-DNA position 3453, G replaced by T.
Protein change: p.Glu1151Asp; replaces glutamic acid 1151 with aspartic acid.
Molecular consequence: missense variant.
Genome position (GRCh38, 1-based): chr17:38,330,116, C>A on the plus strand (G>T on the coding strand, the complement: GPR179 is on the minus strand). VCF-style: chr17-38330116-C-A. GRCh37 (hg19) VCF-style: chr17-36485999-C-A.
Other names: short protein forms E1151D.
Identifiers: ClinVar variation 2089657 (VCV002089657.4), dbSNP rs2512161121, ClinGen allele CA398879756.
Genomic context (GRCh38, chr17:38,330,116, plus strand): 5'-CTCCCGTTGACAGACTTGGAGCATCCTGCTGGTGTGAGCGTTCTGTTGGTTCTGGAGGGA[C>A]TCCTTGTCATCGGAGGGGATAAGAGCGGCCTGCTTACTCACCGCCTTGGGCCGGCCTAGC-3'
Protein context (NP_001004334.3, residues 1141-1161): QAALIPSDDK[Glu1151Asp]SLQNQQNAHT

ClinVar aggregate classification (germline): Uncertain significance (1 of 4 stars; one submission).

Submission:

Labcorp Genetics (formerly Invitae), Labcorp
Classification: Uncertain significance. Last evaluated: 2022-01-27. Review status: criteria provided, single submitter. Criteria: Invitae Variant Classification Sherloc (09022015). Collection method: clinical testing. Allele origin: germline.
Comment: In summary, the available evidence is currently insufficient to determine the role of this variant in disease. Therefore, it has been classified as a Variant of Uncertain Significance. Algorithms developed to predict the effect of missense changes on protein structure and function are either unavailable or do not agree on the potential impact of this missense change (SIFT: "Deleterious"; PolyPhen-2: "Probably Damaging"; Align-GVGD: "Class C0"). This sequence change replaces glutamic acid, which is acidic and polar, with aspartic acid, which is acidic and polar, at codon 1151 of the GPR179 protein (p.Glu1151Asp). This variant is not present in population databases (gnomAD no frequency). This variant has not been reported in the literature in individuals affected with GPR179-related conditions.